The following is an entry in ClinVar:

NM_001267550.2(TTN):c.49346-2A>T

Genes: TTN (titin; minus strand), TTN-AS1 (TTN antisense RNA 1; plus strand). Cytogenetic location: 2q31.2.
Variant type: single nucleotide variant.
Coding change: c.49346-2A>T on transcript NM_001267550.2 (MANE Select); the canonical splice acceptor site of the intron before coding-DNA position 49346, A replaced by T.
Molecular consequence: splice acceptor variant.
Genome position (GRCh38, 1-based): chr2:178,613,939, T>A on the plus strand (A>T on the coding strand, the complement: TTN is on the minus strand). VCF-style: chr2-178613939-T-A. GRCh37 (hg19) VCF-style: chr2-179478666-T-A.
Other names: c.22151-2A>T (NM_003319.4); c.22727-2A>T (NM_133437.4); c.22526-2A>T (NM_133432.3); c.41642-2A>T (NM_133378.4); c.44423-2A>T (NM_001256850.1).
Identifiers: ClinVar variation 202374 (VCV000202374.15), dbSNP rs794729263, ClinGen allele CA309231.

ClinVar aggregate classification (germline): Pathogenic/Likely pathogenic. Review status: criteria provided, multiple submitters, no conflicts (2 of 4 stars). 2 submissions from 2 submitters: Pathogenic (1); Likely pathogenic (1). Last evaluated 2026-02-20.

Conditions:
Dilated cardiomyopathy 1G (CMD1G). Identifiers: Orphanet 154, MedGen C1858763, MONDO:0011400, OMIM 604145.
Autosomal recessive limb-girdle muscular dystrophy type 2J (LGMDR10). Also called: MUSCULAR DYSTROPHY, LIMB-GIRDLE, AUTOSOMAL RECESSIVE 10; Limb-girdle muscular dystrophy, type 2J. Identifiers: Orphanet 140922, MedGen C1837342, MONDO:0012127, OMIM 608807.

Allele frequency attached by ClinVar (database versions not stated): gnomAD 0.00001; TOPMed 0.00001.
gnomAD v4.1: 1 of 1,607,540 alleles (0.000062%); highest among the groups gnomAD compares: African/African-American, 0.0013%; no homozygotes.

Submissions (2):

GeneDx
Classification: Pathogenic. Last evaluated: 2026-02-20. Review status: criteria provided, single submitter. Criteria: GeneDx Variant Classification Process June 2021. Collection method: clinical testing. Allele origin: germline. Affected: yes.
Comment: Canonical splice site variant predicted to result in a null allele in a gene for which loss of function is a known mechanism of disease; Located in the A-band, a region of TTN for which truncating variants are significantly associated with autosomal dominant cardiomyopathy and also with autosomal recessive skeletal myopathies (PMID: 22335739, 32778822); Not observed at significant frequency in large population cohorts (gnomAD); Reported as a secondary finding among a cohort of pediatric patients undergoing exome or genome sequencing (PMID: 39096151); This variant is associated with the following publications: (PMID: 39096151, 22335739, 32778822)

Labcorp Genetics (formerly Invitae), Labcorp
Classification: Likely pathogenic for Dilated cardiomyopathy 1G; Autosomal recessive limb-girdle muscular dystrophy type 2J. Last evaluated: 2026-01-10. Review status: criteria provided, single submitter. Criteria: Invitae Variant Classification Sherloc (09022015). Collection method: clinical testing. Allele origin: germline.
Comment: This sequence change affects an acceptor splice site in intron 262 of the TTN gene. It is expected to disrupt RNA splicing and likely results in a truncated or disrupted TTN protein. This variant is not present in population databases (gnomAD no frequency). This variant has not been reported in the literature in individuals affected with TTN-related conditions. ClinVar contains an entry for this variant (Variation ID: 202374). Algorithms developed to predict the effect of sequence changes on RNA splicing suggest that this variant may disrupt the consensus splice site. This variant is located in the A band of TTN (PMID: 25589632). Truncating variants in this region are significantly overrepresented in patients affected with dilated cardiomyopathy (PMID: 25589632). Truncating variants in this region have also been reported in individuals affected with autosomal recessive centronuclear myopathy (PMID: 23975875). In summary, the currently available evidence indicates that the variant is pathogenic, but additional data are needed to prove that conclusively. Therefore, this variant has been classified as Likely Pathogenic.

Literature cited by the submitters: PubMed 25589632 (cited by Labcorp Genetics (formerly Invitae), Labcorp); PubMed 23975875 (cited by Labcorp Genetics (formerly Invitae), Labcorp).